The following is an entry in ClinVar:

NM_000307.5(POU3F4):c.745A>G (p.Lys249Glu)

Gene: POU3F4 (POU class 3 homeobox 4; plus strand). Cytogenetic location: Xq21.1.
Variant type: single nucleotide variant.
Coding change: c.745A>G on transcript NM_000307.5 (MANE Select); coding-DNA position 745, A replaced by G.
Protein change: p.Lys249Glu; replaces lysine 249 with glutamic acid.
Molecular consequence: missense variant.
Genome position (GRCh38, 1-based): chrX:83,509,069, A>G. VCF-style: chrX-83509069-A-G. GRCh37 (hg19) VCF-style: chrX-82764077-A-G.
Other names: short protein forms K249E.
Identifiers: ClinVar variation 2131257 (VCV002131257.4), dbSNP rs2520216540, ClinGen allele CA413752221.

ClinVar aggregate classification (germline): Uncertain significance (1 of 4 stars; one submission).

Submission:

Labcorp Genetics (formerly Invitae), Labcorp
Classification: Uncertain significance. Last evaluated: 2022-11-28. Review status: criteria provided, single submitter. Criteria: Invitae Variant Classification Sherloc (09022015). Collection method: clinical testing. Allele origin: germline.
Comment: Advanced modeling of protein sequence and biophysical properties (such as structural, functional, and spatial information, amino acid conservation, physicochemical variation, residue mobility, and thermodynamic stability) performed at Invitae indicates that this missense variant is expected to disrupt POU3F4 protein function. This variant has not been reported in the literature in individuals affected with POU3F4-related conditions. This variant is not present in population databases (gnomAD no frequency). This sequence change replaces lysine, which is basic and polar, with glutamic acid, which is acidic and polar, at codon 249 of the POU3F4 protein (p.Lys249Glu). In summary, the available evidence is currently insufficient to determine the role of this variant in disease. Therefore, it has been classified as a Variant of Uncertain Significance.